The following is an entry in ClinVar:

NM_145166.4(ZBTB47):c.1646C>T (p.Thr549Ile)

Gene: ZBTB47 (zinc finger and BTB domain containing 47; plus strand). Cytogenetic location: 3p22.1.
Variant type: single nucleotide variant.
Coding change: c.1646C>T on transcript NM_145166.4 (MANE Select); coding-DNA position 1646, C replaced by T.
Protein change: p.Thr549Ile; replaces threonine 549 with isoleucine.
Molecular consequence: missense variant.
Genome position (GRCh38, 1-based): chr3:42,663,036, C>T. VCF-style: chr3-42663036-C-T. GRCh37 (hg19) VCF-style: chr3-42704528-C-T.
Other names: c.1730C>T, p.Thr577Ile (NM_001410746.1); short protein forms T549I, T577I.
Identifiers: ClinVar variation 5016729 (VCV005016729.1).

ClinVar aggregate classification (germline): Uncertain significance (1 of 4 stars; one submission).

Submission:

GeneDx
Classification: Uncertain significance. Last evaluated: 2026-03-24. Review status: criteria provided, single submitter. Criteria: GeneDx Variant Classification Process June 2021. Collection method: clinical testing. Allele origin: germline.
Comment: Has not been previously published as pathogenic or benign to our knowledge; Not observed at significant frequency in large population cohorts (gnomAD); In silico analysis supports that this missense variant has a deleterious effect on protein structure/function